The following is an entry in ClinVar:

NM_001754.5(RUNX1):c.*2474T>C

Gene: RUNX1 (RUNX family transcription factor 1; minus strand). Cytogenetic location: 21q22.12.
Variant type: single nucleotide variant.
Coding change: c.*2474T>C on transcript NM_001754.5 (MANE Select); 2474 bases downstream of the stop codon, T replaced by C.
Molecular consequence: 3 prime UTR variant.
Genome position (GRCh38, 1-based): chr21:34,789,661, A>G on the plus strand (T>C on the coding strand, the complement: RUNX1 is on the minus strand). VCF-style: chr21-34789661-A-G. GRCh37 (hg19) VCF-style: chr21-36161958-A-G.
Other names: c.*2474T>C (NM_001754.4, NM_001001890.3).
Identifiers: ClinVar variation 339830 (VCV000339830.6), dbSNP rs56202419, ClinGen allele CA10653558.
Genomic context (GRCh38, chr21:34,789,661, plus strand): 5'-CACGCACACACACACACATACAAAAATGTGTTGCGTGAGACCTATCGCCAAAACAACTAC[A>G]GTTTGATTTTTTTTGAAACAATTAAATACTATATATGCTGGTAAGAGTCTGTGAAACTCT-3'

ClinVar aggregate classification (germline): Benign. Review status: reviewed by expert panel (3 of 4 stars). 2 submissions from 2 submitters: Benign (1). 1 of the submissions does not count toward it. Last evaluated 2020-01-13.

Conditions:
Hereditary thrombocytopenia and hematological cancer predisposition syndrome associated with RUNX1. Also called: PLATELET DISORDER, ASPIRIN-LIKE; RUNX1 Familial Platelet Disorder with Associated Myeloid Malignancies; Familial Platelet Disorder with Propensity to Acute Myelogenous Leukemia; Familial thrombocytopenia with propensity to acute myelogenous leukemia. Identifiers: Orphanet 71290, MedGen C1832388, MeSH C563324, MONDO:0100083, OMIM 601399.

Allele frequency attached by ClinVar (database versions not stated): gnomAD exomes 0.02063; gnomAD 0.04491 and 0.04630; TOPMed 0.05133; 1000 Genomes Project 0.05371; 1000 Genomes Project 30x 0.05497.
gnomAD v4.1: 8,480 of 233,250 alleles (3.6%); highest among the groups gnomAD compares: African/African-American, 12%; 366 homozygotes.

Submissions (2):

ClinGen Myeloid Malignancy Variant Curation Expert Panel
Classification: Benign for Hereditary thrombocytopenia and hematologic cancer predisposition syndrome. Last evaluated: 2020-01-13. Review status: reviewed by expert panel. Criteria: ClinGen MyeloMalig ACMG Specifications v1. Collection method: curation. Allele origin: germline. Inheritance: Autosomal dominant inheritance.
Comment: The NM_001754.4:c.*2474T>C variant in the 3' UTR has an MAF of 0.119 (12%, 5001/41950 alleles) in the African subpopulation of the gnomAD v3 cohort and is =/> 0.0015 (0.15%) (BA1). This variant is detected in a homozygous state in 276 individuals in the gnomAD v3 population database (BP2). In summary, this variant meets criteria to be classified as benign. ACMG/AMP criteria applied, as specified by the Myeloid Malignancy Variant Curation Expert Panel for RUNX1: BA1, BP2.

Illumina Laboratory Services, Illumina
Classification: Benign for Hereditary thrombocytopenia and hematological cancer predisposition syndrome associated with RUNX1. Last evaluated: 2018-01-13. Review status: criteria provided, single submitter. Criteria: ICSL Variant Classification Criteria 13 December 2019. Collection method: clinical testing. Allele origin: germline. Not counted in ClinVar's aggregate classification.
Comment: This variant was observed in the ICSL laboratory as part of a predisposition screen in an ostensibly healthy population. It had not been previously curated by ICSL or reported in the Human Gene Mutation Database (HGMD: prior to June 1st, 2018), and was therefore a candidate for classification through an automated scoring system. Utilizing variant allele frequency, disease prevalence and penetrance estimates, and inheritance mode, an automated score was calculated to assess if this variant is too frequent to cause the disease. Based on the score and internal cut-off values, a variant classified as benign is not then subjected to further curation. The score for this variant resulted in a classification of benign for this disease.